The following is an entry in ClinVar:

ClinVar aggregate classification (germline): Likely benign. Review status: criteria provided, multiple submitters, no conflicts (2 of 4 stars). 3 submissions from 3 submitters: Likely benign (2). 1 of the submissions does not count toward it. Last evaluated 2025-07-24.

Conditions:
DLC1-related disorder. Also called: DLC1-related condition.
Colorectal cancer. Also called: Malignant Colorectal Neoplasm; Colorectal cancer, somatic. Identifiers: MedGen C0346629, MONDO:0005575, OMIM 114500.

Allele frequency attached by ClinVar (database versions not stated): gnomAD exomes 0.00012 and 0.00037; ExAC 0.00048; gnomAD 0.00152 and 0.00168; 1000 Genomes Project 30x 0.00172; 1000 Genomes Project 0.00180; TOPMed 0.00183; ESP Exome Variant Server 0.00238.
gnomAD v4.1: 411 of 1,614,134 alleles (0.025%); highest among the groups gnomAD compares: African/African-American, 0.5%; 1 homozygote.

Submissions (3):

Labcorp Genetics (formerly Invitae), Labcorp
Classification: Likely benign. Last evaluated: 2025-07-24. Review status: criteria provided, single submitter. Criteria: Invitae Variant Classification Sherloc (09022015). Collection method: clinical testing. Allele origin: germline.

Fulgent Genetics
Classification: Likely benign for Colorectal cancer. Last evaluated: 2021-07-02. Review status: criteria provided, single submitter. Criteria: ACMG Guidelines, 2015. Collection method: clinical testing. Allele origin: unknown.

PreventionGenetics, part of Exact Sciences
Classification: Likely benign for DLC1-related condition. Last evaluated: 2024-02-07. Review status: no assertion criteria provided. Collection method: clinical testing. Allele origin: germline. Not counted in ClinVar's aggregate classification.
Comment: This variant is classified as likely benign based on ACMG/AMP sequence variant interpretation guidelines (Richards et al. 2015 PMID: 25741868, with internal and published modifications).

NM_182643.3(DLC1):c.167A>G (p.Glu56Gly)

Gene: DLC1 (DLC1 Rho GTPase activating protein; minus strand). Cytogenetic location: 8p22.
Variant type: single nucleotide variant.
Coding change: c.167A>G on transcript NM_182643.3 (MANE Select); coding-DNA position 167, A replaced by G.
Protein change: p.Glu56Gly; replaces glutamic acid 56 with glycine.
Molecular consequence: missense variant. On other transcripts: 5 prime UTR variant (1).
Genome position (GRCh38, 1-based): chr8:13,499,905, T>C on the plus strand (A>G on the coding strand, the complement: DLC1 is on the minus strand). VCF-style: chr8-13499905-T-C. GRCh37 (hg19) VCF-style: chr8-13357414-T-C.
Other names: c.167A>G, p.Glu56Gly (NM_001348081.2, NM_024767.5); c.-1285A>G (NM_001348082.2); short protein forms E56G.
Identifiers: ClinVar variation 1640474 (VCV001640474.11), dbSNP rs143324598, ClinGen allele CA4639570.